The following is an entry in ClinVar:

NM_001363711.2(DUOX2):c.3416-14T>C

Gene: DUOX2 (dual oxidase 2; minus strand). Cytogenetic location: 15q21.1.
Variant type: single nucleotide variant.
Coding change: c.3416-14T>C on transcript NM_001363711.2 (MANE Select); 14 bases into the intron before coding-DNA position 3416, T replaced by C.
Molecular consequence: intron variant.
Genome position (GRCh38, 1-based): chr15:45,099,496, A>G on the plus strand (T>C on the coding strand, the complement: DUOX2 is on the minus strand). VCF-style: chr15-45099496-A-G. GRCh37 (hg19) VCF-style: chr15-45391694-A-G.
Other names: c.3416-14T>C (NM_014080.5).
Identifiers: ClinVar variation 2823922 (VCV002823922.5), dbSNP rs369781783, ClinGen allele CA7537873.
Genomic context (GRCh38, chr15:45,099,496, plus strand): 5'-GACTGAGAAGATGTAGACATTGACTGCGTGGCCAGCACTGTGCAAAACTGGAAGAGACAG[A>G]CCCTGTTAGAGATGCCAACCAGGACAGACTCTACCTCCGATCCTGAGGGAGAGAGGAGGC-3'

ClinVar aggregate classification (germline): Likely benign. Review status: criteria provided, multiple submitters, no conflicts (2 of 4 stars). 2 submissions from 2 submitters: Likely benign (2). Last evaluated 2025-04-03.

Allele frequency attached by ClinVar (database versions not stated): gnomAD exomes 0.00001; gnomAD 0.00002; ExAC 0.00001; TOPMed 0.00001; ESP Exome Variant Server 0.00008.
gnomAD v4.1: 15 of 1,612,680 alleles (0.00093%); highest among the groups gnomAD compares: African/African-American, 0.0027%; no homozygotes.

Submissions (2):

Labcorp Genetics (formerly Invitae), Labcorp
Classification: Likely benign. Last evaluated: 2025-04-03. Review status: criteria provided, single submitter. Criteria: Invitae Variant Classification Sherloc (09022015). Collection method: clinical testing. Allele origin: germline.

Women's Health and Genetics/Laboratory Corporation of America, LabCorp
Classification: Likely benign. Last evaluated: 2024-11-25. Review status: criteria provided, single submitter. Criteria: LabCorp Variant Classification Summary - May 2015. Collection method: clinical testing. Allele origin: germline.
Comment: Variant summary: DUOX2 c.3416-14T>C alters a non-conserved nucleotide located at a position not widely known to affect splicing. Consensus agreement among computation tools predict no significant impact on normal splicing. However, these predictions have yet to be confirmed by functional studies. The variant allele was found at a frequency of 4e-06 in 249884 control chromosomes (gnomAD). The available data on variant occurrences in the general population are insufficient to allow any conclusion about variant significance. To our knowledge, no occurrence of c.3416-14T>C in individuals affected with Thyroid Dyshormonogenesis 6 and no experimental evidence demonstrating its impact on protein function have been reported. ClinVar contains an entry for this variant (Variation ID: 2823922). Based on the evidence outlined above, the variant was classified as likely benign.